The following is an entry in ClinVar:

NM_001142966.3(GREB1L):c.3777C>T (p.His1259=)

Gene: GREB1L (GREB1 like retinoic acid receptor coactivator; plus strand). Cytogenetic location: 18q11.2.
Variant type: single nucleotide variant.
Coding change: c.3777C>T on transcript NM_001142966.3 (MANE Select); coding-DNA position 3777, C replaced by T.
Protein change: p.His1259=; no amino-acid change (histidine 1259 retained).
Molecular consequence: synonymous variant.
Genome position (GRCh38, 1-based): chr18:21,500,114, C>T. VCF-style: chr18-21500114-C-T. GRCh37 (hg19) VCF-style: chr18-19080075-C-T.
Other names: c.3906C>T, p.His1302= (NM_001410867.1); c.3450C>T, p.His1150= (NM_001410868.1).
Identifiers: ClinVar variation 2986460 (VCV002986460.24), dbSNP rs368823549, ClinGen allele CA296944971.

ClinVar aggregate classification (germline): Likely benign. Review status: criteria provided, multiple submitters, no conflicts (2 of 4 stars). 2 submissions from 2 submitters: Likely benign (2). Last evaluated 2024-03-01.

Allele frequency attached by ClinVar (database versions not stated): gnomAD 0.00003; TOPMed 0.00004; ESP Exome Variant Server 0.00022.
gnomAD v4.1: 33 of 1,551,602 alleles (0.0021%); highest among the groups gnomAD compares: Non-Finnish European, 0.0024%; no homozygotes.

Submissions (2):

CeGaT Center for Human Genetics Tuebingen
Classification: Likely benign. Last evaluated: 2024-03-01. Review status: criteria provided, single submitter. Criteria: CeGaT Center For Human Genetics Tuebingen Variant Classification Criteria Version 2. Collection method: clinical testing. Allele origin: germline. Affected: yes. Observed: 1 variant allele.
Comment: GREB1L: BP4, BP7

Labcorp Genetics (formerly Invitae), Labcorp
Classification: Likely benign. Last evaluated: 2023-07-19. Review status: criteria provided, single submitter. Criteria: Invitae Variant Classification Sherloc (09022015). Collection method: clinical testing. Allele origin: germline.